The following is an entry in ClinVar:

ClinVar aggregate classification (germline): Uncertain significance. Review status: criteria provided, multiple submitters, no conflicts (2 of 4 stars). 2 submissions from 2 submitters: Uncertain significance (2). Last evaluated 2023-04-24.

Allele frequency attached by ClinVar (database versions not stated): TOPMed 0.00001; gnomAD 0.00002.
gnomAD v4.1: 23 of 1,613,936 alleles (0.0014%); highest among the groups gnomAD compares: South Asian, 0.0066%; no homozygotes.

Submissions (2):

Labcorp Genetics (formerly Invitae), Labcorp
Classification: Uncertain significance. Last evaluated: 2023-04-24. Review status: criteria provided, single submitter. Criteria: Invitae Variant Classification Sherloc (09022015). Collection method: clinical testing. Allele origin: germline.
Comment: In summary, the available evidence is currently insufficient to determine the role of this variant in disease. Therefore, it has been classified as a Variant of Uncertain Significance. This sequence change replaces arginine, which is basic and polar, with histidine, which is basic and polar, at codon 744 of the TTLL5 protein (p.Arg744His). This variant is present in population databases (rs766807897, gnomAD 0.003%). This variant has not been reported in the literature in individuals affected with TTLL5-related conditions. ClinVar contains an entry for this variant (Variation ID: 1039990). Advanced modeling of protein sequence and biophysical properties (such as structural, functional, and spatial information, amino acid conservation, physicochemical variation, residue mobility, and thermodynamic stability) performed at Invitae indicates that this missense variant is expected to disrupt TTLL5 protein function.

Blueprint Genetics
Classification: Uncertain significance. Last evaluated: 2023-01-12. Review status: criteria provided, single submitter. Criteria: ACMG Guidelines, 2015. Collection method: clinical testing. Allele origin: germline.

NM_015072.5(TTLL5):c.2231G>A (p.Arg744His)

Gene: TTLL5 (tubulin tyrosine ligase like 5; plus strand). Cytogenetic location: 14q24.3.
Variant type: single nucleotide variant.
Coding change: c.2231G>A on transcript NM_015072.5 (MANE Select); coding-DNA position 2231, G replaced by A.
Protein change: p.Arg744His; replaces arginine 744 with histidine.
Molecular consequence: missense variant.
Genome position (GRCh38, 1-based): chr14:75,775,578, G>A. VCF-style: chr14-75775578-G-A. GRCh37 (hg19) VCF-style: chr14-76241921-G-A.
Other names: short protein forms R744H.
Identifiers: ClinVar variation 1039990 (VCV001039990.8), dbSNP rs766807897, ClinGen allele CA7279649.
Genomic context (GRCh38, chr14:75,775,578, plus strand): 5'-ATAACCTCCAGCATTCACTGAGGATGGTATTACCCAGTCGACGATTGGCACTTCTGGAAC[G>A]CAGAAGAATCCTGGCCCACCAGCTGGGTGACTTTATCATTGTATACAACAAGGTAAGTCT-3'
Protein context (NP_055887.3, residues 734-754): LPSRRLALLE[Arg744His]RRILAHQLGD